The following is an entry in ClinVar:

ClinVar aggregate classification (germline): Uncertain significance (1 of 4 stars; one submission).

Conditions:
Dyskeratosis congenita, autosomal dominant 2. Identifiers: MedGen C3151443, MONDO:0013521, OMIM 613989.
Idiopathic Pulmonary Fibrosis. Also called: Idiopathic fibrosing alveolitis, chronic form; idiopathic fibrosing alveolitis. Identifiers: Orphanet 2032, MedGen C1800706, MeSH D054990, MONDO:0800504.

gnomAD v4.1: 1 of 1,613,444 alleles (0.000062%); highest among the groups gnomAD compares: Non-Finnish European, 0.000085%; no homozygotes.

Submission:

Labcorp Genetics (formerly Invitae), Labcorp
Classification: Uncertain significance for Dyskeratosis congenita, autosomal dominant 2; Idiopathic Pulmonary Fibrosis. Last evaluated: 2025-12-01. Review status: criteria provided, single submitter. Criteria: Invitae Variant Classification Sherloc (09022015). Collection method: clinical testing. Allele origin: germline.
Comment: This sequence change replaces arginine, which is basic and polar, with leucine, which is neutral and non-polar, at codon 858 of the TERT protein (p.Arg858Leu). This variant is present in population databases (rs144779807, gnomAD 0.0009%). This variant has not been reported in the literature in individuals affected with TERT-related conditions. Invitae Evidence Modeling of protein sequence and biophysical properties (such as structural, functional, and spatial information, amino acid conservation, physicochemical variation, residue mobility, and thermodynamic stability) indicates that this missense variant is not expected to disrupt TERT protein function with a negative predictive value of 95%. In summary, the available evidence is currently insufficient to determine the role of this variant in disease. Therefore, it has been classified as a Variant of Uncertain Significance.

NM_198253.3(TERT):c.2573G>T (p.Arg858Leu)

Gene: TERT (telomerase reverse transcriptase; minus strand). Cytogenetic location: 5p15.33.
Variant type: single nucleotide variant.
Coding change: c.2573G>T on transcript NM_198253.3 (MANE Select); coding-DNA position 2573, G replaced by T.
Protein change: p.Arg858Leu; replaces arginine 858 with leucine.
Molecular consequence: missense variant. On other transcripts: non-coding transcript variant (2).
Genome position (GRCh38, 1-based): chr5:1,268,529, C>A on the plus strand (G>T on the coding strand, the complement: TERT is on the minus strand). VCF-style: chr5-1268529-C-A. GRCh37 (hg19) VCF-style: chr5-1268644-C-A.
Other names: c.2573G>T, p.Arg858Leu (NM_001193376.3); short protein forms R858L.
Identifiers: ClinVar variation 4783690 (VCV004783690.1).